The following is an entry in ClinVar:

NM_001277115.2(DNAH11):c.4203G>C (p.Gln1401His)

Gene: DNAH11 (dynein axonemal heavy chain 11; plus strand). Cytogenetic location: 7p15.3.
Variant type: single nucleotide variant.
Coding change: c.4203G>C on transcript NM_001277115.2 (MANE Select); coding-DNA position 4203, G replaced by C.
Protein change: p.Gln1401His; replaces glutamine 1401 with histidine.
Molecular consequence: missense variant.
Genome position (GRCh38, 1-based): chr7:21,617,726, G>C. VCF-style: chr7-21617726-G-C. GRCh37 (hg19) VCF-style: chr7-21657344-G-C.
Other names: short protein forms Q1401H.
Identifiers: ClinVar variation 238916 (VCV000238916.9), dbSNP rs773302246, ClinGen allele CA10582480.

ClinVar aggregate classification (germline): Uncertain significance (1 of 4 stars; one submission).

Conditions:
Primary ciliary dyskinesia. Also called: Ciliary dyskinesia. Identifiers: Orphanet 244, MedGen C0008780, MONDO:0016575, HP:0012265.

Submission:

Labcorp Genetics (formerly Invitae), Labcorp
Classification: Uncertain significance for Primary ciliary dyskinesia. Last evaluated: 2022-06-28. Review status: criteria provided, single submitter. Criteria: Invitae Variant Classification Sherloc (09022015). Collection method: clinical testing. Allele origin: germline.
Comment: Advanced modeling of protein sequence and biophysical properties (such as structural, functional, and spatial information, amino acid conservation, physicochemical variation, residue mobility, and thermodynamic stability) performed at Invitae indicates that this missense variant is not expected to disrupt DNAH11 protein function. ClinVar contains an entry for this variant (Variation ID: 238916). This variant has not been reported in the literature in individuals affected with DNAH11-related conditions. This variant is not present in population databases (gnomAD no frequency). This sequence change replaces glutamine, which is neutral and polar, with histidine, which is basic and polar, at codon 1401 of the DNAH11 protein (p.Gln1401His). In summary, the available evidence is currently insufficient to determine the role of this variant in disease. Therefore, it has been classified as a Variant of Uncertain Significance.